The following is an entry in ClinVar:

ClinVar aggregate classification (germline): Uncertain significance (1 of 4 stars; one submission).

Conditions:
Cardiovascular phenotype. Identifiers: MedGen CN230736.

Submission:

Ambry Genetics
Classification: Uncertain significance for Cardiovascular phenotype. Last evaluated: 2019-08-13. Review status: criteria provided, single submitter. Criteria: Ambry Variant Classification Scheme 2023. Collection method: clinical testing. Allele origin: germline.
Comment: The c.10238_10267del30 variant (also known as p.L3413_F3422del) is located in coding exon 2 of the ZNF469 gene. This variant results from an in-frame deletion of 30 nucleotides at positions 10238 to 10267. This results in the deletion of 10 amino acids between codons 3413 and 3422. Since supporting evidence is limited at this time, the clinical significance of this alteration remains unclear.

NM_001367624.2(ZNF469):c.10322_10351del (p.Leu3441_Phe3450del)

Gene: ZNF469 (zinc finger protein 469; plus strand). Cytogenetic location: 16q24.2.
Variant type: Deletion.
Coding change: c.10322_10351del on transcript NM_001367624.2 (MANE Select); coding-DNA positions 10322 to 10351, 30 bases deleted (TCAGGGGGGGGCGGCAGCCCTTCGCGTTCC).
Protein change: p.Leu3441_Phe3450del.
Molecular consequence: inframe deletion.
Genome position (GRCh38, 1-based): chr16:88,437,792-88,437,821, TCAGGGGGGGGCGGCAGCCCTTCGCGTTCC deleted; deleting any 30 consecutive bases within chr16:88,437,790-88,437,821 gives the same sequence; the c. name uses the placement nearest the transcript's 3' end. VCF-style (leftmost placement, unchanged base first): chr16-88437789-ACCTCAGGGGGGGGCGGCAGCCCTTCGCGTT-A. GRCh37 (hg19) VCF-style: chr16-88504197-ACCTCAGGGGGGGGCGGCAGCCCTTCGCGTT-A.
Other names: NM_001127464.1:c.10238_10267del30.
Identifiers: ClinVar variation 1765408 (VCV001765408.2), dbSNP rs901329609, ClinGen allele CA286386448.
Genomic context (GRCh38, chr16:88,437,789, plus strand): 5'-GCAGCTCCTGCAACTACACCTTCGCCAAGAAGGAGCAGTTCGACCGCCACATGAACAAGC[ACCTCAGGGGGGGGCGGCAGCCCTTCGCGTT>A]CCGCGGCGTGCGGAGGCCGGGAGCGCCGGGACAGAAGGCCCGGGCCCTCGAGGGCACACT-3'